The following is an entry in ClinVar:

NM_001846.4(COL4A2):c.4684G>A (p.Asp1562Asn)

Genes: COL4A2 (collagen type IV alpha 2 chain; plus strand), COL4A2-AS1 (COL4A2 antisense RNA 1; minus strand). Cytogenetic location: 13q34.
Variant type: single nucleotide variant.
Coding change: c.4684G>A on transcript NM_001846.4 (MANE Select); coding-DNA position 4684, G replaced by A.
Protein change: p.Asp1562Asn; replaces aspartic acid 1562 with asparagine.
Molecular consequence: missense variant.
Genome position (GRCh38, 1-based): chr13:110,508,024, G>A. VCF-style: chr13-110508024-G-A. GRCh37 (hg19) VCF-style: chr13-111160371-G-A.
Other names: short protein forms D1562N.
Identifiers: ClinVar variation 2219803 (VCV002219803.4), dbSNP rs771634327, ClinGen allele CA7050627.

ClinVar aggregate classification (germline): Uncertain significance. Review status: criteria provided, multiple submitters, no conflicts (2 of 4 stars). 2 submissions from 2 submitters: Uncertain significance (2). Last evaluated 2025-04-17.

Conditions:
Inborn genetic diseases. Identifiers: MedGen C0950123, MeSH D030342.

Allele frequency attached by ClinVar (database versions not stated): gnomAD 0.00005; TOPMed 0.00007; ExAC 0.00006; gnomAD exomes 0.00008.
gnomAD v4.1: 119 of 1,614,104 alleles (0.0074%); highest among the groups gnomAD compares: South Asian, 0.015%; no homozygotes.

Submissions (2):

Labcorp Genetics (formerly Invitae), Labcorp
Classification: Uncertain significance. Last evaluated: 2025-04-17. Review status: criteria provided, single submitter. Criteria: Invitae Variant Classification Sherloc (09022015). Collection method: clinical testing. Allele origin: germline.
Comment: This sequence change replaces aspartic acid, which is acidic and polar, with asparagine, which is neutral and polar, at codon 1562 of the COL4A2 protein (p.Asp1562Asn). This variant is present in population databases (rs771634327, gnomAD 0.02%), and has an allele count higher than expected for a pathogenic variant. This variant has not been reported in the literature in individuals affected with COL4A2-related conditions. ClinVar contains an entry for this variant (Variation ID: 2219803). Invitae Evidence Modeling of protein sequence and biophysical properties (such as structural, functional, and spatial information, amino acid conservation, physicochemical variation, residue mobility, and thermodynamic stability) indicates that this missense variant is expected to disrupt COL4A2 protein function with a positive predictive value of 80%. In summary, the available evidence is currently insufficient to determine the role of this variant in disease. Therefore, it has been classified as a Variant of Uncertain Significance.

Ambry Genetics
Classification: Uncertain significance for Inborn genetic diseases. Last evaluated: 2024-01-23. Review status: criteria provided, single submitter. Criteria: Ambry Variant Classification Scheme 2023. Collection method: clinical testing. Allele origin: germline.